The following is an entry in ClinVar:

ClinVar aggregate classification (germline): Uncertain significance. Review status: criteria provided, multiple submitters, no conflicts (2 of 4 stars). 2 submissions from 2 submitters: Uncertain significance (2). Last evaluated 2023-05-21.

Conditions:
Inborn genetic diseases. Identifiers: MedGen C0950123, MeSH D030342.
Autosomal dominant Parkinson disease 8. Also called: LRRK2-Related Parkinson Disease; Parkinson disease 8; Parkinson disease 8, susceptibility to. Identifiers: Orphanet 411602, MedGen C1846862, MONDO:0011764, OMIM 607060.

Allele frequency attached by ClinVar (database versions not stated): gnomAD 0.00001; TOPMed 0.00001.
gnomAD v4.1: 1 of 1,612,596 alleles (0.000062%); highest among the groups gnomAD compares: African/African-American, 0.0013%; no homozygotes.

Submissions (2):

Ambry Genetics
Classification: Uncertain significance for Inborn genetic diseases. Last evaluated: 2023-05-21. Review status: criteria provided, single submitter. Criteria: Ambry Variant Classification Scheme 2023. Collection method: clinical testing. Allele origin: germline.
Comment: The p.F470S variant (also known as c.1409T>C), located in coding exon 12 of the LRRK2 gene, results from a T to C substitution at nucleotide position 1409. The phenylalanine at codon 470 is replaced by serine, an amino acid with highly dissimilar properties. This amino acid position is conserved. In addition, the in silico prediction for this alteration is inconclusive. Since supporting evidence is limited at this time, the clinical significance of this alteration remains unclear.

Labcorp Genetics (formerly Invitae), Labcorp
Classification: Uncertain significance for Autosomal dominant Parkinson disease 8. Last evaluated: 2022-11-24. Review status: criteria provided, single submitter. Criteria: Invitae Variant Classification Sherloc (09022015). Collection method: clinical testing. Allele origin: germline.
Comment: In summary, the available evidence is currently insufficient to determine the role of this variant in disease. Therefore, it has been classified as a Variant of Uncertain Significance. Advanced modeling of protein sequence and biophysical properties (such as structural, functional, and spatial information, amino acid conservation, physicochemical variation, residue mobility, and thermodynamic stability) has been performed at Invitae for this missense variant, however the output from this modeling did not meet the statistical confidence thresholds required to predict the impact of this variant on LRRK2 protein function. This variant has not been reported in the literature in individuals affected with LRRK2-related conditions. This variant is not present in population databases (gnomAD no frequency). This sequence change replaces phenylalanine, which is neutral and non-polar, with serine, which is neutral and polar, at codon 470 of the LRRK2 protein (p.Phe470Ser).

NM_198578.4(LRRK2):c.1409T>C (p.Phe470Ser)

Gene: LRRK2 (leucine rich repeat kinase 2; plus strand). Cytogenetic location: 12q12.
Variant type: single nucleotide variant.
Coding change: c.1409T>C on transcript NM_198578.4 (MANE Select); coding-DNA position 1409, T replaced by C.
Protein change: p.Phe470Ser; replaces phenylalanine 470 with serine.
Molecular consequence: missense variant.
Genome position (GRCh38, 1-based): chr12:40,257,368, T>C. VCF-style: chr12-40257368-T-C. GRCh37 (hg19) VCF-style: chr12-40651170-T-C.
Other names: short protein forms F470S.
Identifiers: ClinVar variation 2562413 (VCV002562413.5), dbSNP rs1466690781, ClinGen allele CA384410908.
Genomic context (GRCh38, chr12:40,257,368, plus strand): 5'-AGAAGCATATACATTCTCCTGAAGTGGCTGAAAGTGGCTGTAAAATGCTAAATCATCTTT[T>C]TGAAGGAAGGTAATATAGATTCATTAACTTGTACAGAATATATCATATTGGGCCAGGTAG-3'
Protein context (NP_940980.4, residues 460-480): ESGCKMLNHL[Phe470Ser]EGSNTSLDIM